The following is an entry in ClinVar:

ClinVar aggregate classification (germline): Conflicting classifications of pathogenicity. Review status: criteria provided, conflicting classifications (1 of 4 stars). 5 submissions from 5 submitters: Uncertain significance (1); Likely benign (4). Last evaluated 2026-02-26.

Conditions:
MPI-related disorder. Also called: MPI-related condition.
MPI-congenital disorder of glycosylation. Also called: CDG Ib; MANNOSEPHOSPHATE ISOMERASE DEFICIENCY; CONGENITAL DISORDER OF GLYCOSYLATION, TYPE Ib; PROTEIN-LOSING ENTEROPATHY-HEPATIC FIBROSIS SYNDROME; MPI-CDG; MPI DEFICIENCY. Identifiers: Orphanet 79319, MedGen C1865145, MONDO:0011257, OMIM 602579.

Allele frequency attached by ClinVar (database versions not stated): gnomAD exomes 0.00020 and 0.00025; ExAC 0.00021; TOPMed 0.00023; gnomAD 0.00025; 1000 Genomes Project 30x 0.00031; 1000 Genomes Project 0.00040.
gnomAD v4.1: 405 of 1,613,958 alleles (0.025%); highest among the groups gnomAD compares: Non-Finnish European, 0.03%; no homozygotes.

Submissions (5):

PreventionGenetics, part of Exact Sciences
Classification: Likely benign for MPI-related condition. Last evaluated: 2026-02-26. Review status: criteria provided, single submitter. Criteria: ACMG Guidelines, 2015. Collection method: clinical testing. Allele origin: germline.
Comment: This variant is classified as likely benign based on ACMG/AMP sequence variant interpretation guidelines (Richards et al. 2015 PMID: 25741868, with internal and published modifications).

Labcorp Genetics (formerly Invitae), Labcorp
Classification: Likely benign for MPI-congenital disorder of glycosylation. Last evaluated: 2025-11-08. Review status: criteria provided, single submitter. Criteria: Invitae Variant Classification Sherloc (09022015). Collection method: clinical testing. Allele origin: germline.

Blueprint Genetics
Classification: Likely benign. Last evaluated: 2024-10-17. Review status: criteria provided, single submitter. Criteria: ACMG Guidelines, 2015. Collection method: clinical testing. Allele origin: germline.

Illumina Laboratory Services, Illumina
Classification: Uncertain significance for MPI-congenital disorder of glycosylation. Last evaluated: 2018-01-12. Review status: criteria provided, single submitter. Criteria: ICSL Variant Classification Criteria 13 December 2019. Collection method: clinical testing. Allele origin: germline.

GeneDx
Classification: Likely benign. Last evaluated: 2016-09-29. Review status: criteria provided, single submitter. Criteria: GeneDx Variant Classification (06012015). Collection method: clinical testing. Allele origin: germline. Affected: yes.
Comment: This variant is considered likely benign or benign based on one or more of the following criteria: it is a conservative change, it occurs at a poorly conserved position in the protein, it is predicted to be benign by multiple in silico algorithms, and/or has population frequency not consistent with disease.

NM_002435.3(MPI):c.671-4T>G

Gene: MPI (mannose phosphate isomerase; plus strand). Cytogenetic location: 15q24.1.
Variant type: single nucleotide variant.
Coding change: c.671-4T>G on transcript NM_002435.3 (MANE Select); 4 bases into the intron before coding-DNA position 671, T replaced by G.
Molecular consequence: intron variant.
Genome position (GRCh38, 1-based): chr15:74,896,148, T>G. VCF-style: chr15-74896148-T-G. GRCh37 (hg19) VCF-style: chr15-75188489-T-G.
Other names: c.611-4T>G (NM_001330372.2); c.671-4T>G (NM_001289155.2); c.488-4T>G (NM_001289157.2); c.521-4T>G (NM_001289156.2).
Identifiers: ClinVar variation 389367 (VCV000389367.18), dbSNP rs199719453, ClinGen allele CA7662516.